The following is an entry in ClinVar:

NM_001061.7(TBXAS1):c.382C>T (p.Arg128Cys)

Gene: TBXAS1 (thromboxane A synthase 1; plus strand). Cytogenetic location: 7q34.
Variant type: single nucleotide variant.
Coding change: c.382C>T on transcript NM_001061.7 (MANE Select); coding-DNA position 382, C replaced by T.
Protein change: p.Arg128Cys; replaces arginine 128 with cysteine.
Molecular consequence: missense variant.
Genome position (GRCh38, 1-based): chr7:139,936,239, C>T. VCF-style: chr7-139936239-C-T. GRCh37 (hg19) VCF-style: chr7-139636038-C-T.
Other names: c.382C>T, p.Arg128Cys (NM_001130966.5, NM_001166253.4, NM_030984.6); c.181C>T, p.Arg61Cys (NM_001166254.4); c.325C>T, p.Arg109Cys (NM_001314028.4); c.199C>T, p.Arg67Cys (NM_001366537.3); short protein forms R109C, R129C, R67C, R128C, R61C.
Identifiers: ClinVar variation 2175679 (VCV002175679.1), dbSNP rs960368874, ClinGen allele CA167950467.

ClinVar aggregate classification (germline): Uncertain significance (1 of 4 stars; one submission).

Allele frequency attached by ClinVar (database versions not stated): gnomAD 0.00001; TOPMed 0.00003.
gnomAD v4.1: 23 of 1,614,078 alleles (0.0014%); highest among the groups gnomAD compares: Non-Finnish European, 0.0019%; no homozygotes.

Submission:

Labcorp Genetics (formerly Invitae), Labcorp
Classification: Uncertain significance. Last evaluated: 2022-06-24. Review status: criteria provided, single submitter. Criteria: Invitae Variant Classification Sherloc (09022015). Collection method: clinical testing. Allele origin: germline.
Comment: This sequence change replaces arginine, which is basic and polar, with cysteine, which is neutral and slightly polar, at codon 129 of the TBXAS1 protein (p.Arg129Cys). This variant is present in population databases (no rsID available, gnomAD 0.004%). This variant has not been reported in the literature in individuals affected with TBXAS1-related conditions. Advanced modeling of protein sequence and biophysical properties (such as structural, functional, and spatial information, amino acid conservation, physicochemical variation, residue mobility, and thermodynamic stability) performed at Invitae indicates that this missense variant is not expected to disrupt TBXAS1 protein function. In summary, the available evidence is currently insufficient to determine the role of this variant in disease. Therefore, it has been classified as a Variant of Uncertain Significance.